The following is an entry in ClinVar:

NM_001384140.1(PCDH15):c.3928G>C (p.Val1310Leu)

Gene: PCDH15 (protocadherin related 15; minus strand). Cytogenetic location: 10q21.1.
Variant type: single nucleotide variant.
Coding change: c.3928G>C on transcript NM_001384140.1 (MANE Select); coding-DNA position 3928, G replaced by C.
Protein change: p.Val1310Leu; replaces valine 1310 with leucine.
Molecular consequence: missense variant.
Genome position (GRCh38, 1-based): chr10:53,840,375, C>G on the plus strand (G>C on the coding strand, the complement: PCDH15 is on the minus strand). VCF-style: chr10-53840375-C-G. GRCh37 (hg19) VCF-style: chr10-55600135-C-G.
Other names: c.3943G>C, p.Val1315Leu (NM_001142763.2, NM_001142771.2); c.3928G>C, p.Val1310Leu (NM_001142764.2, NM_001142766.2, NM_001142770.3 and 4 more transcripts); c.3715G>C, p.Val1239Leu (NM_001142765.2); c.3817G>C, p.Val1273Leu (NM_001142767.2); c.3862G>C, p.Val1288Leu (NM_001142768.2, NM_001142773.2, NM_001354404.2); c.3964G>C, p.Val1322Leu (NM_001142769.4); c.3949G>C, p.Val1317Leu (NM_001354411.2); short protein forms V1273L, V1310L, V1322L, V1239L, V1317L, V1288L, V1315L.
Identifiers: ClinVar variation 2184176 (VCV002184176.2), dbSNP rs1292176272, ClinGen allele CA376528768.

ClinVar aggregate classification (germline): Uncertain significance. Review status: criteria provided, multiple submitters, no conflicts (2 of 4 stars). 2 submissions from 2 submitters: Uncertain significance (2). Last evaluated 2022-08-22.

Allele frequency attached by ClinVar (database versions not stated): gnomAD exomes below 0.00001.
gnomAD v4.1: 3 of 1,614,126 alleles (0.00019%); highest among the groups gnomAD compares: Non-Finnish European, 0.00017%; no homozygotes.

Submissions (2):

Labcorp Genetics (formerly Invitae), Labcorp
Classification: Uncertain significance. Last evaluated: 2022-08-22. Review status: criteria provided, single submitter. Criteria: Invitae Variant Classification Sherloc (09022015). Collection method: clinical testing. Allele origin: germline.
Comment: This sequence change replaces valine, which is neutral and non-polar, with leucine, which is neutral and non-polar, at codon 1310 of the PCDH15 protein (p.Val1310Leu). This variant is not present in population databases (gnomAD no frequency). This variant has not been reported in the literature in individuals affected with PCDH15-related conditions. Algorithms developed to predict the effect of missense changes on protein structure and function (SIFT, PolyPhen-2, Align-GVGD) all suggest that this variant is likely to be tolerated. In summary, the available evidence is currently insufficient to determine the role of this variant in disease. Therefore, it has been classified as a Variant of Uncertain Significance.

Blueprint Genetics
Classification: Uncertain significance. Last evaluated: 2019-11-27. Review status: criteria provided, single submitter. Criteria: ACMG Guidelines, 2015. Collection method: clinical testing. Allele origin: germline.